The following is an entry in ClinVar:

NM_018100.4(EFHC1):c.629A>T (p.Asp210Val)

Gene: EFHC1 (EF-hand domain containing 1; plus strand). Cytogenetic location: 6p12.2.
Variant type: single nucleotide variant.
Coding change: c.629A>T on transcript NM_018100.4 (MANE Select); coding-DNA position 629, A replaced by T.
Protein change: p.Asp210Val; replaces aspartic acid 210 with valine.
Molecular consequence: missense variant. On other transcripts: non-coding transcript variant (1).
Genome position (GRCh38, 1-based): chr6:52,452,743, A>T. VCF-style: chr6-52452743-A-T. GRCh37 (hg19) VCF-style: chr6-52317541-A-T.
Other names: c.572A>T, p.Asp191Val (NM_001172420.2); short protein forms D210V, D191V.
Identifiers: ClinVar variation 95886 (VCV000095886.24), dbSNP rs73740379, ClinGen allele CA149002.

ClinVar aggregate classification (germline): Benign/Likely benign. Review status: criteria provided, multiple submitters, no conflicts (2 of 4 stars). 6 submissions from 6 submitters: Benign (3); Likely benign (2). 1 of the submissions does not count toward it. Last evaluated 2025-10-22.

Conditions:
EFHC1-related disorder. Also called: EFHC1-related condition.
Myoclonic epilepsy, juvenile, susceptibility to, 1. Also called: Myoclonic Epilepsy, Juvenile, 1; EJM1. Identifiers: MedGen C1850778, MONDO:0020752, OMIM 254770.
Absence seizure. Also called: Absence epilepsy. Identifiers: Orphanet 1941, MedGen C0014553.

Allele frequency attached by ClinVar (database versions not stated): 1000 Genomes Project 30x 0.00484; gnomAD 0.00377 and 0.00408; TOPMed 0.00444; ESP Exome Variant Server 0.00408; 1000 Genomes Project 0.00459; gnomAD exomes 0.00106; ExAC 0.00122.
gnomAD v4.1: 1,133 of 1,614,224 alleles (0.07%); highest among the groups gnomAD compares: African/African-American, 1.3%; 11 homozygotes.

Submissions (6):

Labcorp Genetics (formerly Invitae), Labcorp
Classification: Benign for Myoclonic epilepsy, juvenile, susceptibility to, 1; Absence seizure. Last evaluated: 2025-10-22. Review status: criteria provided, single submitter. Criteria: Invitae Variant Classification Sherloc (09022015). Collection method: clinical testing. Allele origin: germline.

Blueprint Genetics
Classification: Likely benign. Last evaluated: 2024-10-18. Review status: criteria provided, single submitter. Criteria: ACMG Guidelines, 2015. Collection method: clinical testing. Allele origin: germline.

GeneDx
Classification: Benign. Last evaluated: 2016-12-15. Review status: criteria provided, single submitter. Criteria: GeneDx Variant Classification (06012015). Collection method: clinical testing. Allele origin: germline. Affected: yes.
Comment: This variant is considered likely benign or benign based on one or more of the following criteria: it is a conservative change, it occurs at a poorly conserved position in the protein, it is predicted to be benign by multiple in silico algorithms, and/or has population frequency not consistent with disease.

Center for Pediatric Genomic Medicine, Children's Mercy Hospital and Clinics
Classification: Likely benign. Last evaluated: 2016-09-01. Review status: criteria provided, single submitter. Criteria: ACMG Guidelines, 2015. Collection method: clinical testing. Allele origin: germline.
ClinVar note: Converted during submission from Likely Benign to Likely benign.

Eurofins Ntd Llc (ga)
Classification: Benign. Last evaluated: 2013-07-05. Review status: criteria provided, single submitter. Criteria: EGL Classification Definitions 2015. Collection method: clinical testing. Allele origin: germline. Observed: 1 variant allele, 1 heterozygote.

PreventionGenetics, part of Exact Sciences
Classification: Benign for EFHC1-related condition. Last evaluated: 2019-07-18. Review status: no assertion criteria provided. Collection method: clinical testing. Allele origin: germline. Not counted in ClinVar's aggregate classification.
Comment: This variant is classified as benign based on ACMG/AMP sequence variant interpretation guidelines (Richards et al. 2015 PMID: 25741868, with internal and published modifications).